The following is an entry in ClinVar:

NM_001184.4(ATR):c.7488T>C (p.Asn2496=)

Gene: ATR (ATR checkpoint kinase; minus strand). Cytogenetic location: 3q23.
Variant type: single nucleotide variant.
Coding change: c.7488T>C on transcript NM_001184.4 (MANE Select); coding-DNA position 7488, T replaced by C.
Protein change: p.Asn2496=; no amino-acid change (asparagine 2496 retained).
Molecular consequence: synonymous variant.
Genome position (GRCh38, 1-based): chr3:142,458,973, A>G on the plus strand (T>C on the coding strand, the complement: ATR is on the minus strand). VCF-style: chr3-142458973-A-G. GRCh37 (hg19) VCF-style: chr3-142177815-A-G.
Other names: c.7296T>C, p.Asn2432= (NM_001354579.2).
Identifiers: ClinVar variation 695422 (VCV000695422.15), dbSNP rs369200535, ClinGen allele CA2649128.

ClinVar aggregate classification (germline): Likely benign. Review status: criteria provided, multiple submitters, no conflicts (2 of 4 stars). 7 submissions from 6 submitters: Likely benign (6). 1 of the submissions does not count toward it. Last evaluated 2026-09-01.

Conditions:
Familial cutaneous telangiectasia and oropharyngeal predisposition cancer syndrome. Identifiers: Orphanet 313846, MedGen C3281203, MONDO:0013806, OMIM 614564.
ATR-related disorder. Also called: ATR-related condition.
Inborn genetic diseases. Identifiers: MedGen C0950123, MeSH D030342.
Seckel syndrome 1 (SCKL1). Also called: MICROCEPHALIC PRIMORDIAL DWARFISM I. Identifiers: Orphanet 808, MedGen C4551474, MONDO:0008869, OMIM 210600.

Allele frequency attached by ClinVar (database versions not stated): ExAC 0.00003; gnomAD exomes 0.00004 and 0.00005; TOPMed 0.00007; ESP Exome Variant Server 0.00008; gnomAD 0.00009.
gnomAD v4.1: 72 of 1,613,690 alleles (0.0045%); highest among the groups gnomAD compares: Non-Finnish European, 0.0058%; no homozygotes.

Submissions (7):

CeGaT Center for Human Genetics Tuebingen
Classification: Likely benign. Last evaluated: 2026-09-01. Review status: criteria provided, single submitter. Criteria: CeGaT Center For Human Genetics Tuebingen Variant Classification Criteria Version 2. Collection method: clinical testing. Allele origin: germline. Affected: yes. Observed: 1 variant allele.
Comment: ATR: BP4, BP7

Labcorp Genetics (formerly Invitae), Labcorp
Classification: Likely benign. Last evaluated: 2025-12-02. Review status: criteria provided, single submitter. Criteria: Invitae Variant Classification Sherloc (09022015). Collection method: clinical testing. Allele origin: germline.

Blueprint Genetics
Classification: Likely benign. Last evaluated: 2024-10-10. Review status: criteria provided, single submitter. Criteria: ACMG Guidelines, 2015. Collection method: clinical testing. Allele origin: germline.

Genome-Nilou Lab
Classification: Likely benign for Seckel syndrome 1. Last evaluated: 2023-02-08. Review status: criteria provided, single submitter. Criteria: ACMG Guidelines, 2015. Collection method: clinical testing. Allele origin: germline.

Genome-Nilou Lab
Classification: Likely benign for Familial cutaneous telangiectasia and oropharyngeal predisposition cancer syndrome. Last evaluated: 2023-02-08. Review status: criteria provided, single submitter. Criteria: ACMG Guidelines, 2015. Collection method: clinical testing. Allele origin: germline.

Ambry Genetics
Classification: Likely benign for Inborn genetic diseases. Last evaluated: 2022-03-03. Review status: criteria provided, single submitter. Criteria: Ambry Variant Classification Scheme 2023. Collection method: clinical testing. Allele origin: germline.

PreventionGenetics, part of Exact Sciences
Classification: Likely benign for ATR-related condition. Last evaluated: 2024-01-05. Review status: no assertion criteria provided. Collection method: clinical testing. Allele origin: germline. Not counted in ClinVar's aggregate classification.
Comment: This variant is classified as likely benign based on ACMG/AMP sequence variant interpretation guidelines (Richards et al. 2015 PMID: 25741868, with internal and published modifications).